The following is an entry in ClinVar:

ClinVar aggregate classification (germline): Likely benign. Review status: criteria provided, multiple submitters, no conflicts (2 of 4 stars). 3 submissions from 3 submitters: Likely benign (3). Last evaluated 2025-11-01.

Allele frequency attached by ClinVar (database versions not stated): TOPMed 0.00065; ESP Exome Variant Server 0.00069; 1000 Genomes Project 30x 0.00078; 1000 Genomes Project 0.00080.

Submissions (3):

CeGaT Center for Human Genetics Tuebingen
Classification: Likely benign. Last evaluated: 2025-11-01. Review status: criteria provided, single submitter. Criteria: CeGaT Center For Human Genetics Tuebingen Variant Classification Criteria Version 2. Collection method: clinical testing. Allele origin: germline. Affected: yes. Observed: 4 variant alleles.
Comment: POLR2A: BP4, BP7

Blueprint Genetics
Classification: Likely benign. Last evaluated: 2024-11-27. Review status: criteria provided, single submitter. Criteria: ACMG Guidelines, 2015. Collection method: clinical testing. Allele origin: germline.

Labcorp Genetics (formerly Invitae), Labcorp
Classification: Likely benign. Last evaluated: 2018-05-24. Review status: criteria provided, single submitter. Criteria: Invitae Variant Classification Sherloc (09022015). Collection method: clinical testing. Allele origin: germline.

NM_000937.5(POLR2A):c.180G>T (p.Pro60=)

Gene: POLR2A (RNA polymerase II subunit A; plus strand). Cytogenetic location: 17p13.1.
Variant type: single nucleotide variant.
Coding change: c.180G>T on transcript NM_000937.5 (MANE Select); coding-DNA position 180, G replaced by T.
Protein change: p.Pro60=; no amino-acid change (proline 60 retained).
Molecular consequence: synonymous variant.
Genome position (GRCh38, 1-based): chr17:7,496,027, G>T. VCF-style: chr17-7496027-G-T. GRCh37 (hg19) VCF-style: chr17-7399346-G-T.
Identifiers: ClinVar variation 791411 (VCV000791411.28), dbSNP rs149517878, ClinGen allele CA8349121.